The following is an entry in ClinVar:

NM_000052.7(ATP7A):c.1152T>C (p.Asp384=)

Gene: ATP7A (ATPase copper transporting alpha; plus strand). Cytogenetic location: Xq21.1.
Variant type: single nucleotide variant.
Coding change: c.1152T>C on transcript NM_000052.7 (MANE Select); coding-DNA position 1152, T replaced by C.
Protein change: p.Asp384=; no amino-acid change (aspartic acid 384 retained).
Molecular consequence: synonymous variant.
Genome position (GRCh38, 1-based): chrX:77,989,774, T>C. VCF-style: chrX-77989774-T-C. GRCh37 (hg19) VCF-style: chrX-77245270-T-C.
Other names: p.Asp384=; c.1152T>C, p.Asp384= (NM_001282224.2).
Identifiers: ClinVar variation 762614 (VCV000762614.11), dbSNP rs147225045, ClinGen allele CA10458999.
Genomic context (GRCh38, chrX:77,989,774, plus strand): 5'-GAAGATTCCTTTGAATGTAGTTAGCCAGCCTCTGACACAAGAAACTGTGATAAACATTGA[T>C]GGCATGACTTGTAATTCCTGTGTGCAGTCTATTGAGGGTGTCATATCAAAAAAGCCAGGT-3'
Protein context (NP_000043.4, residues 374-394): PLTQETVINI[Asp384=]GMTCNSCVQS

ClinVar aggregate classification (germline): Likely benign. Review status: criteria provided, multiple submitters, no conflicts (2 of 4 stars). 3 submissions from 3 submitters: Likely benign (2). 1 of the submissions does not count toward it. Last evaluated 2025-12-19.

Conditions:
Cutis laxa, X-linked (OHS). Also called: EDS IX; Occipital horn syndrome. Identifiers: Orphanet 198, MedGen C0268353, MONDO:0010572, OMIM 304150.
Menkes kinky-hair syndrome (MNK). Also called: Copper transport disease; Menkes Disease; Classic Menkes Disease. Identifiers: Orphanet 565, MedGen C0022716, MONDO:0010651, OMIM 309400.
X-linked distal spinal muscular atrophy type 3. Also called: SPINAL MUSCULAR ATROPHY, DISTAL, X-LINKED RECESSIVE; ATP7A-Related Distal Motor Neuropathy; NEURONOPATHY, DISTAL HEREDITARY MOTOR, X-LINKED; NEUROPATHY, DISTAL HEREDITARY MOTOR, X-LINKED. Identifiers: Orphanet 139557, MedGen C1845359, MONDO:0010338, OMIM 300489.

Allele frequency attached by ClinVar (database versions not stated): ExAC 0.00001; gnomAD 0.00001; TOPMed 0.00001; ESP Exome Variant Server 0.00009.
gnomAD v4.1: 2 of 1,209,578 alleles (0.00017%); highest among the groups gnomAD compares: African/African-American, 0.0017%; no homozygotes.

Submissions (3):

Labcorp Genetics (formerly Invitae), Labcorp
Classification: Likely benign for X-linked distal spinal muscular atrophy type 3; Cutis laxa, X-linked; Menkes kinky-hair syndrome. Last evaluated: 2025-12-19. Review status: criteria provided, single submitter. Criteria: Invitae Variant Classification Sherloc (09022015). Collection method: clinical testing. Allele origin: germline.

Mayo Clinic Laboratories, Mayo Clinic
Classification: Likely benign. Last evaluated: 2025-05-13. Review status: criteria provided, single submitter. Criteria: ACMG Guidelines, 2015. Collection method: clinical testing. Allele origin: germline. Observed: 1 variant allele.
Comment: BP4, BP7

Natera, Inc.
Classification: Likely benign for Menkes kinky hair syndrome. Last evaluated: 2020-09-28. Review status: no assertion criteria provided. Collection method: clinical testing. Allele origin: germline. Not counted in ClinVar's aggregate classification.